The following is an entry in ClinVar:

ClinVar aggregate classification (germline): Likely benign. Review status: criteria provided, single submitter (1 of 4 stars). 2 submissions from 2 submitters: Likely benign (1). 1 of the submissions does not count toward it. Last evaluated 2024-11-25.

Conditions:
LDHD-related disorder. Also called: LDHD-related condition.

Allele frequency attached by ClinVar (database versions not stated): 1000 Genomes Project 30x 0.00016; 1000 Genomes Project 0.00020; ESP Exome Variant Server 0.00054; ExAC 0.00077; TOPMed 0.00088; gnomAD 0.00094; gnomAD exomes 0.00097.

Submissions (2):

Blueprint Genetics
Classification: Likely benign. Last evaluated: 2024-11-25. Review status: criteria provided, single submitter. Criteria: ACMG Guidelines, 2015. Collection method: clinical testing. Allele origin: germline.

PreventionGenetics, part of Exact Sciences
Classification: Likely benign for LDHD-related condition. Last evaluated: 2020-12-14. Review status: no assertion criteria provided. Collection method: clinical testing. Allele origin: germline. Not counted in ClinVar's aggregate classification.
Comment: This variant is classified as likely benign based on ACMG/AMP sequence variant interpretation guidelines (Richards et al. 2015 PMID: 25741868, with internal and published modifications).

NM_194436.3(LDHD):c.678G>A (p.Glu226=)

Gene: LDHD (lactate dehydrogenase D; minus strand). Cytogenetic location: 16q23.1.
Variant type: single nucleotide variant.
Coding change: c.678G>A on transcript NM_194436.3 (MANE Select); coding-DNA position 678, G replaced by A.
Protein change: p.Glu226=; no amino-acid change (glutamic acid 226 retained).
Molecular consequence: synonymous variant.
Genome position (GRCh38, 1-based): chr16:75,114,117, C>T on the plus strand (G>A on the coding strand, the complement: LDHD is on the minus strand). VCF-style: chr16-75114117-C-T. GRCh37 (hg19) VCF-style: chr16-75148015-C-T.
Other names: c.747G>A, p.Glu249= (NM_153486.4).
Identifiers: ClinVar variation 3043012 (VCV003043012.3), dbSNP rs138498620, ClinGen allele CA8172466.
Genomic context (GRCh38, chr16:75,114,117, plus strand): 5'-TGTGGCCTCAGGGGCAGGGTGCAGGCGCAGGGTGGTGGCTGTGATGAGGCCCAGCGTCCC[C>T]TCGGAGCCCACGAAGAGCCCCGTGAGGTTGTAGCCGGCTGCACTCTTCCTACGTCCCAGG-3'
Protein context (NP_919417.1, residues 216-236): YNLTGLFVGS[Glu226=]GTLGLITATT